The following is an entry in ClinVar:

NM_005263.5(GFI1):c.252G>C (p.Ser84=)

Gene: GFI1 (growth factor independent 1 transcriptional repressor; minus strand). Cytogenetic location: 1p22.1.
Variant type: single nucleotide variant.
Coding change: c.252G>C on transcript NM_005263.5 (MANE Select); coding-DNA position 252, G replaced by C.
Protein change: p.Ser84=; no amino-acid change (serine 84 retained).
Molecular consequence: synonymous variant.
Genome position (GRCh38, 1-based): chr1:92,482,910, C>G on the plus strand (G>C on the coding strand, the complement: GFI1 is on the minus strand). VCF-style: chr1-92482910-C-G. GRCh37 (hg19) VCF-style: chr1-92948467-C-G.
Other names: c.252G>C, p.Ser84= (NM_001127215.3, NM_001127216.3).
Identifiers: ClinVar variation 1134056 (VCV001134056.16), dbSNP rs140302204, ClinGen allele CA951451.

ClinVar aggregate classification (germline): Likely benign. Review status: criteria provided, multiple submitters, no conflicts (2 of 4 stars). 5 submissions from 5 submitters: Likely benign (4). 1 of the submissions does not count toward it. Last evaluated 2025-11-25.

Conditions:
GFI1-related disorder. Also called: GFI1-related condition.
Neutropenia, severe congenital, 2, autosomal dominant. Identifiers: Orphanet 486, MedGen C2751288, MONDO:0013139, OMIM 613107.

Allele frequency attached by ClinVar (database versions not stated): ExAC 0.00003; gnomAD 0.00003 and 0.00004; TOPMed 0.00004; ESP Exome Variant Server 0.00008; 1000 Genomes Project 0.00020; 1000 Genomes Project 30x 0.00031.
gnomAD v4.1: 47 of 1,614,130 alleles (0.0029%); highest among the groups gnomAD compares: Middle Eastern, 0.033%; no homozygotes.

Submissions (5):

Labcorp Genetics (formerly Invitae), Labcorp
Classification: Likely benign for Neutropenia, severe congenital, 2, autosomal dominant. Last evaluated: 2025-11-25. Review status: criteria provided, single submitter. Criteria: Invitae Variant Classification Sherloc (09022015). Collection method: clinical testing. Allele origin: germline.

Ambry Genetics
Classification: Likely benign. Last evaluated: 2024-11-30. Review status: criteria provided, single submitter. Criteria: Ambry Variant Classification Scheme 2023. Collection method: clinical testing. Allele origin: germline.

Blueprint Genetics
Classification: Likely benign. Last evaluated: 2024-11-11. Review status: criteria provided, single submitter. Criteria: ACMG Guidelines, 2015. Collection method: clinical testing. Allele origin: germline.

Genetic Services Laboratory, University of Chicago
Classification: Likely benign. Last evaluated: 2017-09-08. Review status: criteria provided, single submitter. Criteria: ACMG Guidelines, 2015. Collection method: clinical testing. Allele origin: germline. Affected: no.

PreventionGenetics, part of Exact Sciences
Classification: Likely benign for GFI1-related condition. Last evaluated: 2019-09-17. Review status: no assertion criteria provided. Collection method: clinical testing. Allele origin: germline. Not counted in ClinVar's aggregate classification.
Comment: This variant is classified as likely benign based on ACMG/AMP sequence variant interpretation guidelines (Richards et al. 2015 PMID: 25741868, with internal and published modifications).